The following is an entry in ClinVar:

NM_000083.3(CLCN1):c.241A>G (p.Lys81Glu)

Gene: CLCN1 (chloride voltage-gated channel 1; plus strand). Cytogenetic location: 7q34.
Variant type: single nucleotide variant.
Coding change: c.241A>G on transcript NM_000083.3 (MANE Select); coding-DNA position 241, A replaced by G.
Protein change: p.Lys81Glu; replaces lysine 81 with glutamic acid.
Molecular consequence: missense variant. On other transcripts: non-coding transcript variant (1).
Genome position (GRCh38, 1-based): chr7:143,319,815, A>G. VCF-style: chr7-143319815-A-G. GRCh37 (hg19) VCF-style: chr7-143016908-A-G.
Other names: short protein forms K81E.
Identifiers: ClinVar variation 2576731 (VCV002576731.1), dbSNP rs149407148, ClinGen allele CA4536874.

ClinVar aggregate classification (germline): Uncertain significance (1 of 4 stars; one submission).

Allele frequency attached by ClinVar (database versions not stated): gnomAD exomes below 0.00001; ExAC 0.00001; gnomAD 0.00001; TOPMed 0.00001; ESP Exome Variant Server 0.00008.
gnomAD v4.1: 3 of 1,613,704 alleles (0.00019%); highest among the groups gnomAD compares: African/African-American, 0.0027%; no homozygotes.

Submission:

GeneDx
Classification: Uncertain significance. Last evaluated: 2023-02-21. Review status: criteria provided, single submitter. Criteria: GeneDx Variant Classification Process June 2021. Collection method: clinical testing. Allele origin: germline. Affected: yes.
Comment: Not observed at significant frequency in large population cohorts (gnomAD); In silico analysis supports that this missense variant does not alter protein structure/function; Has not been previously published as pathogenic or benign to our knowledge